The following is an entry in ClinVar:

NM_005120.3(MED12):c.701A>G (p.Asp234Gly)

Gene: MED12 (mediator complex subunit 12; plus strand). Cytogenetic location: Xq13.1.
Variant type: single nucleotide variant.
Coding change: c.701A>G on transcript NM_005120.3 (MANE Select); coding-DNA position 701, A replaced by G.
Protein change: p.Asp234Gly; replaces aspartic acid 234 with glycine.
Molecular consequence: missense variant.
Genome position (GRCh38, 1-based): chrX:71,121,118, A>G. VCF-style: chrX-71121118-A-G. GRCh37 (hg19) VCF-style: chrX-70340968-A-G.
Other names: short protein forms D234G.
Identifiers: ClinVar variation 1897623 (VCV001897623.5), dbSNP rs927746681, ClinGen allele CA413501052.
Genomic context (GRCh38, chrX:71,121,118, plus strand): 5'-GCTGTGGTTCCACGATAGGGCCCTTGCCCCATGATGTAGAGGTGGCAATCCGGCAGTGGG[A>G]TTACACCGAGAAGCTGGCCATGTTCATGTTTCAGGTAGAGAGTAGGGCATGCTGTGTGGG-3'
Protein context (NP_005111.2, residues 224-244): HDVEVAIRQW[Asp234Gly]YTEKLAMFMF

ClinVar aggregate classification (germline): Uncertain significance (1 of 4 stars; one submission).

Conditions:
FG syndrome (FGS). Identifiers: MedGen C0220769, MONDO:0002010.

Submission:

Labcorp Genetics (formerly Invitae), Labcorp
Classification: Uncertain significance for FG syndrome. Last evaluated: 2022-02-04. Review status: criteria provided, single submitter. Criteria: Invitae Variant Classification Sherloc (09022015). Collection method: clinical testing. Allele origin: germline.
Comment: This sequence change replaces aspartic acid, which is acidic and polar, with glycine, which is neutral and non-polar, at codon 234 of the MED12 protein (p.Asp234Gly). This variant is not present in population databases (gnomAD no frequency). This variant has not been reported in the literature in individuals affected with MED12-related conditions. Algorithms developed to predict the effect of missense changes on protein structure and function are either unavailable or do not agree on the potential impact of this missense change (SIFT: "Deleterious"; PolyPhen-2: "Benign"; Align-GVGD: "Class C15"). In summary, the available evidence is currently insufficient to determine the role of this variant in disease. Therefore, it has been classified as a Variant of Uncertain Significance.